The following is an entry in ClinVar:

NM_004958.4(MTOR):c.2588C>G (p.Thr863Ser)

Gene: MTOR (mechanistic target of rapamycin kinase; minus strand). Cytogenetic location: 1p36.22.
Variant type: single nucleotide variant.
Coding change: c.2588C>G on transcript NM_004958.4 (MANE Select); coding-DNA position 2588, C replaced by G.
Protein change: p.Thr863Ser; replaces threonine 863 with serine.
Molecular consequence: missense variant.
Genome position (GRCh38, 1-based): chr1:11,231,361, G>C on the plus strand (C>G on the coding strand, the complement: MTOR is on the minus strand). VCF-style: chr1-11231361-G-C. GRCh37 (hg19) VCF-style: chr1-11291418-G-C.
Other names: c.2588C>G, p.Thr863Ser (NM_001386500.1); c.1340C>G, p.Thr447Ser (NM_001386501.1); short protein forms T447S, T863S.
Identifiers: ClinVar variation 1395982 (VCV001395982.8), dbSNP rs2100868120, ClinGen allele CA338382561.
Genomic context (GRCh38, chr1:11,231,361, plus strand): 5'-TCTCTGCGTGTACCCTGGTTCTGCTCAGTCTTCAGAAAATTCAGTAGCACCTCAAGCAAA[G>C]TAGGGTACTTCCTGTAGGGCTCTACTACATAGCCAGTGCTGGCCACCAACTGTCCCAGGG-3'
Protein context (NP_004949.1, residues 853-873): YVVEPYRKYP[Thr863Ser]LLEVLLNFLK

ClinVar aggregate classification (germline): Uncertain significance (1 of 4 stars; one submission).

Submission:

Labcorp Genetics (formerly Invitae), Labcorp
Classification: Uncertain significance. Last evaluated: 2025-09-02. Review status: criteria provided, single submitter. Criteria: Invitae Variant Classification Sherloc (09022015). Collection method: clinical testing. Allele origin: germline.
Comment: This sequence change replaces threonine, which is neutral and polar, with serine, which is neutral and polar, at codon 863 of the MTOR protein (p.Thr863Ser). This variant is not present in population databases (gnomAD no frequency). This variant has not been reported in the literature in individuals affected with MTOR-related conditions. ClinVar contains an entry for this variant (Variation ID: 1395982). Invitae Evidence Modeling of protein sequence and biophysical properties (such as structural, functional, and spatial information, amino acid conservation, physicochemical variation, residue mobility, and thermodynamic stability) indicates that this missense variant is not expected to disrupt MTOR protein function with a negative predictive value of 95%. In summary, the available evidence is currently insufficient to determine the role of this variant in disease. Therefore, it has been classified as a Variant of Uncertain Significance.